The following is an entry in ClinVar:

NM_001001563.5(TIMM50):c.589A>G (p.Thr197Ala)

Gene: TIMM50 (translocase of inner mitochondrial membrane 50; plus strand). Cytogenetic location: 19q13.2.
Variant type: single nucleotide variant.
Coding change: c.589A>G on transcript NM_001001563.5 (MANE Select); coding-DNA position 589, A replaced by G.
Protein change: p.Thr197Ala; replaces threonine 197 with alanine.
Molecular consequence: missense variant.
Genome position (GRCh38, 1-based): chr19:39,486,283, A>G. VCF-style: chr19-39486283-A-G. GRCh37 (hg19) VCF-style: chr19-39976923-A-G.
Other names: c.250A>G, p.Thr84Ala (NM_001329559.2); short protein forms T84A, T197A.
Identifiers: ClinVar variation 2050299 (VCV002050299.4), dbSNP rs2514620733, ClinGen allele CA405787657.
Genomic context (GRCh38, chr19:39,486,283, plus strand): 5'-ATCGAGACCTTGTTCCAGCAGCTTGCCCCTTTATATGAAATTGTCATCTTTACGTCAGAG[A>G]CTGGCATGGTGAGGCTCTGGGGCAGGGGAGGGAATATTGGTGTGGTGGGAGGCGTAGAGA-3'
Protein context (NP_001001563.2, residues 187-207): LYEIVIFTSE[Thr197Ala]GMTAFPLIDS

ClinVar aggregate classification (germline): Uncertain significance (1 of 4 stars; one submission).

Submission:

Labcorp Genetics (formerly Invitae), Labcorp
Classification: Uncertain significance. Last evaluated: 2022-03-18. Review status: criteria provided, single submitter. Criteria: Invitae Variant Classification Sherloc (09022015). Collection method: clinical testing. Allele origin: germline.
Comment: This sequence change replaces threonine, which is neutral and polar, with alanine, which is neutral and non-polar, at codon 300 of the TIMM50 protein (p.Thr300Ala). In summary, the available evidence is currently insufficient to determine the role of this variant in disease. Therefore, it has been classified as a Variant of Uncertain Significance. Algorithms developed to predict the effect of missense changes on protein structure and function are either unavailable or do not agree on the potential impact of this missense change (SIFT: "Not Available"; PolyPhen-2: "Possibly Damaging"; Align-GVGD: "Not Available"). This variant has not been reported in the literature in individuals affected with TIMM50-related conditions. This variant is not present in population databases (gnomAD no frequency).